The following is an entry in ClinVar:

NM_002860.4(ALDH18A1):c.2051C>A (p.Ala684Asp)

Gene: ALDH18A1 (aldehyde dehydrogenase 18 family member A1; minus strand). Cytogenetic location: 10q24.1.
Variant type: single nucleotide variant.
Coding change: c.2051C>A on transcript NM_002860.4 (MANE Select); coding-DNA position 2051, C replaced by A.
Protein change: p.Ala684Asp; replaces alanine 684 with aspartic acid.
Molecular consequence: missense variant.
Genome position (GRCh38, 1-based): chr10:95,611,315, G>T on the plus strand (C>A on the coding strand, the complement: ALDH18A1 is on the minus strand). VCF-style: chr10-95611315-G-T. GRCh37 (hg19) VCF-style: chr10-97371072-G-T.
Other names: c.2045C>A, p.Ala682Asp (NM_001017423.2, NM_001323415.2); c.1718C>A, p.Ala573Asp (NM_001323412.2, NM_001323416.2); c.2051C>A, p.Ala684Asp (NM_001323413.2, NM_001323414.2); c.1946C>A, p.Ala649Asp (NM_001323417.2); c.1712C>A, p.Ala571Asp (NM_001323418.2); c.1415C>A, p.Ala472Asp (NM_001323419.2); short protein forms A472D, A571D, A573D, A649D, A682D, A684D.
Identifiers: ClinVar variation 1723350 (VCV001723350.4), dbSNP rs1382975082, ClinGen allele CA377699914.

ClinVar aggregate classification (germline): Uncertain significance. Review status: criteria provided, multiple submitters, no conflicts (2 of 4 stars). 2 submissions from 2 submitters: Uncertain significance (2). Last evaluated 2023-05-20.

Conditions:
Autosomal dominant spastic paraplegia type 9. Identifiers: MedGen C1832669, MONDO:0015091.
de Barsy syndrome. Also called: Cutis laxa-corneal clouding-oligophrenia syndrome. Identifiers: Orphanet 2962, MedGen C0268354, MONDO:0017569.
Cutis laxa, autosomal dominant 3 (ADCL3). Identifiers: Orphanet 90348, MedGen C4225268, MONDO:0014706, OMIM 616603.

Allele frequency attached by ClinVar (database versions not stated): TOPMed below 0.00001; gnomAD exomes 0.00001.
gnomAD v4.1: 12 of 1,614,180 alleles (0.00074%); highest among the groups gnomAD compares: Non-Finnish European, 0.001%; no homozygotes.

Submissions (2):

Labcorp Genetics (formerly Invitae), Labcorp
Classification: Uncertain significance for Autosomal dominant spastic paraplegia type 9; de Barsy syndrome; Cutis laxa, autosomal dominant 3. Last evaluated: 2023-05-20. Review status: criteria provided, single submitter. Criteria: Invitae Variant Classification Sherloc (09022015). Collection method: clinical testing. Allele origin: germline.
Comment: ClinVar contains an entry for this variant (Variation ID: 1723350). Advanced modeling of protein sequence and biophysical properties (such as structural, functional, and spatial information, amino acid conservation, physicochemical variation, residue mobility, and thermodynamic stability) performed at Invitae indicates that this missense variant is expected to disrupt ALDH18A1 protein function. In summary, the available evidence is currently insufficient to determine the role of this variant in disease. Therefore, it has been classified as a Variant of Uncertain Significance. This variant has not been reported in the literature in individuals affected with ALDH18A1-related conditions. This sequence change replaces alanine, which is neutral and non-polar, with aspartic acid, which is acidic and polar, at codon 684 of the ALDH18A1 protein (p.Ala684Asp). This variant is present in population databases (no rsID available, gnomAD 0.0009%).

Women's Health and Genetics/Laboratory Corporation of America, LabCorp
Classification: Uncertain significance. Last evaluated: 2022-10-19. Review status: criteria provided, single submitter. Criteria: LabCorp Variant Classification Summary - May 2015. Collection method: clinical testing. Allele origin: germline.
Comment: Variant summary: ALDH18A1 c.2051C>A (p.Ala684Asp) results in a non-conservative amino acid change located in the GPR domain (IPR000965) of the encoded protein sequence. Five of five in-silico tools predict a damaging effect of the variant on protein function. The variant allele was found at a frequency of 4e-06 in 251348 control chromosomes. The available data on variant occurrences in the general population are insufficient to allow any conclusion about variant significance. To our knowledge, no occurrence of c.2051C>A in individuals affected with ALDH18A1-Related Disorder and no experimental evidence demonstrating its impact on protein function have been reported. No clinical diagnostic laboratories have submitted clinical-significance assessments for this variant to ClinVar after 2014. Based on the evidence outlined above, the variant was classified as uncertain significance.